The following is an entry in ClinVar:

ClinVar aggregate classification (germline): Conflicting classifications of pathogenicity. Review status: criteria provided, conflicting classifications (1 of 4 stars). 3 submissions from 3 submitters: Likely pathogenic (1); Uncertain significance (1). 1 of the submissions does not count toward it. Last evaluated 2026-06-15.

Conditions:
Gaucher disease. Also called: Acute cerebral Gaucher disease; Cerebroside lipidosis syndrome; Gaucher splenomegaly; Sphingolipidosis 1; Glucocerebrosidosis; Glucosylceramidase deficiency. Identifiers: Orphanet 355, MedGen C0017205, MONDO:0018150.

Allele frequency attached by ClinVar (database versions not stated): gnomAD exomes 0.00001.
gnomAD v4.1: 3 of 1,614,216 alleles (0.00019%); highest among the groups gnomAD compares: Non-Finnish European, 0.00025%; no homozygotes.

Submissions (3):

Women's Health and Genetics/Laboratory Corporation of America, LabCorp
Classification: Uncertain significance. Last evaluated: 2026-06-15. Review status: criteria provided, single submitter. Criteria: LabCorp Variant Classification Summary - May 2015. Collection method: clinical testing. Allele origin: germline.
Comment: Variant summary: GBA1 c.706C>T (p.Leu236Phe) results in a non-conservative amino acid change in the encoded protein sequence. Algorithms developed to predict the effect of missense changes on protein structure and function all suggest that this variant is likely to be disruptive. The variant was absent in 1614216 control chromosomes. The available data on variant occurrences in the general population are insufficient to allow any conclusion about variant significance.c.706C>T has been observed in the compound heterozygous state in at least 1 individual(s) affected with Gaucher Disease (Arias_2025). At least one publication reports experimental evidence evaluating the impact on enzyme activity in a compound heterozygous genotype. The most pronounced variant effect results in the absence of GBA1-related enzyme activity (Arias_2025), although the impact of this variant in isolation on Glucoberebrosidase activity is not ascertainable. The following publications have been ascertained in the context of this evaluation (PMID: 18338393, 16185900, 19790257, 21856586, 25653295, 32623306, 34897099, 38866761, 35639160, 37312046, 37479372, 23079555, 24219755, 25099932, 26995357, 40277813). ClinVar contains an entry for this variant (Variation ID: 929061). Based on the evidence outlined above, the variant was classified as uncertain significance.

GeneDx
Classification: Likely pathogenic. Last evaluated: 2024-02-20. Review status: criteria provided, single submitter. Criteria: GeneDx Variant Classification Process June 2021. Collection method: clinical testing. Allele origin: germline. Affected: yes.
Comment: Observed in patients with Parkinson disease in published literature and referred to GeneDx for genetic testing (PMID: 21856586); Identified in patient with Gaucher disease in published literature (PMID: 16185900); Also known as p.L197F; In silico analysis supports that this missense variant has a deleterious effect on protein structure/function; Not observed at significant frequency in large population cohorts (gnomAD); This variant is associated with the following publications: (PMID: 23079555, 24219755, 26995357, 16185900, 21856586, 32623306)

Natera, Inc.
Classification: Uncertain significance for Gaucher disease. Last evaluated: 2020-05-29. Review status: no assertion criteria provided. Collection method: clinical testing. Allele origin: germline. Not counted in ClinVar's aggregate classification.

Literature cited by the submitters: PubMed 18338393 (cited by Women's Health and Genetics/Laboratory Corporation of America, LabCorp); PubMed 16185900 (cited by Women's Health and Genetics/Laboratory Corporation of America, LabCorp); PubMed 19790257 (cited by Women's Health and Genetics/Laboratory Corporation of America, LabCorp); PubMed 21856586 (cited by Women's Health and Genetics/Laboratory Corporation of America, LabCorp); PubMed 25653295 (cited by Women's Health and Genetics/Laboratory Corporation of America, LabCorp); PubMed 32623306 (cited by Women's Health and Genetics/Laboratory Corporation of America, LabCorp); PubMed 34897099 (cited by Women's Health and Genetics/Laboratory Corporation of America, LabCorp); PubMed 38866761 (cited by Women's Health and Genetics/Laboratory Corporation of America, LabCorp); PubMed 35639160 (cited by Women's Health and Genetics/Laboratory Corporation of America, LabCorp); PubMed 37312046 (cited by Women's Health and Genetics/Laboratory Corporation of America, LabCorp); PubMed 37479372 (cited by Women's Health and Genetics/Laboratory Corporation of America, LabCorp); PubMed 23079555 (cited by Women's Health and Genetics/Laboratory Corporation of America, LabCorp); PubMed 24219755 (cited by Women's Health and Genetics/Laboratory Corporation of America, LabCorp); PubMed 25099932 (cited by Women's Health and Genetics/Laboratory Corporation of America, LabCorp); PubMed 26995357 (cited by Women's Health and Genetics/Laboratory Corporation of America, LabCorp); PubMed 40277813 (cited by Women's Health and Genetics/Laboratory Corporation of America, LabCorp).

NM_000157.4(GBA1):c.706C>T (p.Leu236Phe)

Genes: GBA1 (glucosylceramidase beta 1; minus strand), LOC106627981 (GBA recombination region; plus strand). Cytogenetic location: 1q22.
Variant type: single nucleotide variant.
Coding change: c.706C>T on transcript NM_000157.4 (MANE Select); coding-DNA position 706, C replaced by T.
Protein change: p.Leu236Phe; replaces leucine 236 with phenylalanine.
Molecular consequence: missense variant.
Genome position (GRCh38, 1-based): chr1:155,238,189, G>A on the plus strand (C>T on the coding strand, the complement: GBA1 is on the minus strand). VCF-style: chr1-155238189-G-A. GRCh37 (hg19) VCF-style: chr1-155207980-G-A.
Other names: c.706C>T, p.Leu236Phe (NM_001005741.3, NM_001005742.3); c.445C>T, p.Leu149Phe (NM_001171811.2); c.559C>T, p.Leu187Phe (NM_001171812.2); short protein forms L149F, L187F, L236F.
Identifiers: ClinVar variation 929061 (VCV000929061.7), dbSNP rs1671865905, ClinGen allele CA342721857.